The following is an entry in ClinVar:

NM_000334.4(SCN4A):c.3622G>C (p.Glu1208Gln)

Genes: SCN4A (sodium voltage-gated channel alpha subunit 4; minus strand), GH-LCR (growth hormone locus control region; plus strand). Cytogenetic location: 17q23.3.
Variant type: single nucleotide variant.
Coding change: c.3622G>C on transcript NM_000334.4 (MANE Select); coding-DNA position 3622, G replaced by C.
Protein change: p.Glu1208Gln; replaces glutamic acid 1208 with glutamine.
Molecular consequence: missense variant.
Genome position (GRCh38, 1-based): chr17:63,945,458, C>G on the plus strand (G>C on the coding strand, the complement: SCN4A is on the minus strand). VCF-style: chr17-63945458-C-G. GRCh37 (hg19) VCF-style: chr17-62022818-C-G.
Other names: short protein forms E1208Q.
Identifiers: ClinVar variation 477418 (VCV000477418.14), dbSNP rs754401226, ClinGen allele CA8709222.

ClinVar aggregate classification (germline): Uncertain significance. Review status: criteria provided, multiple submitters, no conflicts (2 of 4 stars). 4 submissions from 4 submitters: Uncertain significance (4). Last evaluated 2025-10-09.

Conditions:
Hyperkalemic periodic paralysis. Also called: Gamstorp disease; Familial hyperkalemic periodic paralysis. Identifiers: Orphanet 682, MedGen C0238357, MONDO:0008224, OMIM 170500, HP:0007215.

Allele frequency attached by ClinVar (database versions not stated): gnomAD 0.00002 and 0.00003; gnomAD exomes 0.00002 and 0.00005; TOPMed 0.00002; ExAC 0.00005.
gnomAD v4.1: 84 of 1,613,884 alleles (0.0052%); highest among the groups gnomAD compares: East Asian, 0.016%; no homozygotes.

Submissions (4):

Labcorp Genetics (formerly Invitae), Labcorp
Classification: Uncertain significance for Hyperkalemic periodic paralysis. Last evaluated: 2025-10-09. Review status: criteria provided, single submitter. Criteria: Invitae Variant Classification Sherloc (09022015). Collection method: clinical testing. Allele origin: germline.
Comment: This sequence change replaces glutamic acid, which is acidic and polar, with glutamine, which is neutral and polar, at codon 1208 of the SCN4A protein (p.Glu1208Gln). This variant is present in population databases (rs754401226, gnomAD 0.02%). This missense change has been observed in individual(s) with clinical features of autosomal dominant SCN4A-related conditions (internal data). ClinVar contains an entry for this variant (Variation ID: 477418). Invitae Evidence Modeling of protein sequence and biophysical properties (such as structural, functional, and spatial information, amino acid conservation, physicochemical variation, residue mobility, and thermodynamic stability) indicates that this missense variant is not expected to disrupt SCN4A protein function with a negative predictive value of 95%. In summary, the available evidence is currently insufficient to determine the role of this variant in disease. Therefore, it has been classified as a Variant of Uncertain Significance.

GeneDx
Classification: Uncertain significance. Last evaluated: 2024-05-02. Review status: criteria provided, single submitter. Criteria: GeneDx Variant Classification Process June 2021. Collection method: clinical testing. Allele origin: germline. Affected: yes.
Comment: In silico analysis indicates that this missense variant does not alter protein structure/function; Has not been previously published as pathogenic or benign to our knowledge

Revvity Omics, Revvity
Classification: Uncertain significance. Last evaluated: 2022-08-19. Review status: criteria provided, single submitter. Criteria: ACMG Guidelines, 2015. Collection method: clinical testing. Allele origin: germline.

Athena Diagnostics
Classification: Uncertain significance. Last evaluated: 2021-04-08. Review status: criteria provided, single submitter. Criteria: Athena Diagnostics criteria. Collection method: clinical testing. Allele origin: unknown.